The following is an entry in ClinVar:

ClinVar aggregate classification (germline): Benign. Review status: criteria provided, multiple submitters, no conflicts (2 of 4 stars). 8 submissions from 8 submitters: Benign (6). 2 of the submissions do not count toward it. Last evaluated 2026-02-04.

Conditions:
Oculotrichoanal syndrome (MOTA). Also called: MARLES SYNDROME; Manitoba Oculotrichoanal (MOTA) Syndrome. Identifiers: Orphanet 2717, MedGen C1855425, MONDO:0009560, OMIM 248450.

Allele frequency attached by ClinVar (database versions not stated): 1000 Genomes Project 30x 0.17989; 1000 Genomes Project 0.18311; TOPMed 0.19621; gnomAD 0.19884 and 0.20395; ESP Exome Variant Server 0.20292; gnomAD exomes 0.23478 and 0.25923; ExAC 0.23851.
gnomAD v4.1: 402,035 of 1,582,032 alleles (25%); highest among the groups gnomAD compares: Middle Eastern, 35%; 53,906 homozygotes.

Submissions (8):

Labcorp Genetics (formerly Invitae), Labcorp
Classification: Benign. Last evaluated: 2026-02-04. Review status: criteria provided, single submitter. Criteria: Invitae Variant Classification Sherloc (09022015). Collection method: clinical testing. Allele origin: germline.

Blueprint Genetics
Classification: Benign. Last evaluated: 2024-11-27. Review status: criteria provided, single submitter. Criteria: ACMG Guidelines, 2015. Collection method: clinical testing. Allele origin: germline.

Mayo Clinic Laboratories, Mayo Clinic
Classification: Benign. Last evaluated: 2022-03-09. Review status: criteria provided, single submitter. Criteria: ACMG Guidelines, 2015. Collection method: clinical testing. Allele origin: germline. Observed: 25 variant alleles.

GeneDx
Classification: Benign. Last evaluated: 2021-05-11. Review status: criteria provided, single submitter. Criteria: GeneDx Variant Classification Process June 2021. Collection method: clinical testing. Allele origin: germline. Affected: yes.

Illumina Laboratory Services, Illumina
Classification: Benign for Oculotrichoanal syndrome. Last evaluated: 2018-01-13. Review status: criteria provided, single submitter. Criteria: ICSL Variant Classification Criteria 13 December 2019. Collection method: clinical testing. Allele origin: germline.
Comment: This variant was observed in the ICSL laboratory as part of a predisposition screen in an ostensibly healthy population. It had not been previously curated by ICSL or reported in the Human Gene Mutation Database (HGMD: prior to June 1st, 2018), and was therefore a candidate for classification through an automated scoring system. Utilizing variant allele frequency, disease prevalence and penetrance estimates, and inheritance mode, an automated score was calculated to assess if this variant is too frequent to cause the disease. Based on the score and internal cut-off values, a variant classified as benign is not then subjected to further curation. The score for this variant resulted in a classification of benign for this disease.

Breakthrough Genomics
Classification: Benign. Review status: criteria provided, single submitter. Criteria: ACMG Guidelines, 2015. Collection method: not provided. Allele origin: germline. Inheritance: Autosomal recessive inheritance. Affected: yes.

Diagnostic Laboratory, Department of Genetics, University Medical Center Groningen
Classification: Benign. Review status: no assertion criteria provided. Collection method: clinical testing. Allele origin: germline. Affected: yes. Study: VKGL Data-share Consensus. Not counted in ClinVar's aggregate classification.

Genome Diagnostics Laboratory, University Medical Center Utrecht
Classification: Benign. Review status: no assertion criteria provided. Collection method: clinical testing. Allele origin: germline. Affected: yes. Study: VKGL Data-share Consensus. Not counted in ClinVar's aggregate classification.

NM_001379081.2(FREM1):c.4857+8T>C

Gene: FREM1 (FRAS1 related extracellular matrix 1; minus strand). Cytogenetic location: 9p22.3.
Variant type: single nucleotide variant.
Coding change: c.4857+8T>C on transcript NM_001379081.2 (MANE Select); 8 bases into the intron after coding-DNA position 4857, T replaced by C.
Molecular consequence: intron variant.
Genome position (GRCh38, 1-based): chr9:14,775,781, A>G on the plus strand (T>C on the coding strand, the complement: FREM1 is on the minus strand). VCF-style: chr9-14775781-A-G. GRCh37 (hg19) VCF-style: chr9-14775779-A-G.
Other names: p.?; c.4857+8T>C (NM_144966.7); c.465+8T>C (NM_001370061.2, NM_001370058.2, NM_001177704.3).
Identifiers: ClinVar variation 366117 (VCV000366117.20), dbSNP rs1874108, ClinGen allele CA4990046.
Genomic context (GRCh38, chr9:14,775,781, plus strand): 5'-AAAAAAAAAAATTCTCGATGTCACTGTTTTCACATCTCTGGCAAATGAACTGTGTTTTTC[A>G]TACTTGCCTGAATGGTGAATAAAACAGGTTCTTCCCACACTCTCCCATTCACAATAAAGC-3'